The following is an entry in ClinVar:

NM_001375883.1(GPR161):c.1436T>C (p.Phe479Ser)

Gene: GPR161 (G protein-coupled receptor 161; minus strand). Cytogenetic location: 1q24.2.
Variant type: single nucleotide variant.
Coding change: c.1436T>C on transcript NM_001375883.1 (MANE Select); coding-DNA position 1436, T replaced by C.
Protein change: p.Phe479Ser; replaces phenylalanine 479 with serine.
Molecular consequence: missense variant.
Genome position (GRCh38, 1-based): chr1:168,085,685, A>G on the plus strand (T>C on the coding strand, the complement: GPR161 is on the minus strand). VCF-style: chr1-168085685-A-G. GRCh37 (hg19) VCF-style: chr1-168054923-A-G.
Other names: c.1040T>C, p.Phe347Ser (NM_001267612.2, NM_001349635.1); c.1202T>C, p.Phe401Ser (NM_001267613.1); c.1094T>C, p.Phe365Ser (NM_001267614.1); c.1436T>C, p.Phe479Ser (NM_001349632.1, NM_001349633.1, NM_001349634.1 and 5 more transcripts); c.1496T>C, p.Phe499Ser (NM_001267609.1); c.1487T>C, p.Phe496Ser (NM_001267611.1); short protein forms F347S, F365S, F401S, F479S, F496S, F499S.
Identifiers: ClinVar variation 4854919 (VCV004854919.1).

ClinVar aggregate classification (germline): Uncertain significance (1 of 4 stars; one submission).

Conditions:
Medulloblastoma (MDB). Also called: Medulloblastoma, somatic; MEDULLOBLASTOMA PREDISPOSITION SYNDROME. Identifiers: Orphanet 616, MedGen C0025149, MeSH D008527, MONDO:0007959, OMIM 155255, HP:0002885.

gnomAD v4.1: 13 of 1,614,068 alleles (0.00081%); highest among the groups gnomAD compares: African/African-American, 0.0013%; no homozygotes.

Submission:

3billion
Classification: Uncertain significance for Medulloblastoma. Last evaluated: 2025-06-12. Review status: criteria provided, single submitter. Criteria: ACMG Guidelines, 2015. Collection method: clinical testing. Allele origin: germline. Affected: yes.
Comment: The variant is observed at an extremely low frequency in the gnomAD v4.1.0 dataset (total allele frequency: <0.001%). Predicted Consequence/Location: Missense variant Damaging effect on gene or gene product predicted by in silico programs is uncertain [REVEL: 0.53 (damaging >=0.6, benign <0.4), 3Cnet: 0.00 (damaging >0.75, benign <0.1)]. Therefore, this variant is classified as VUS according to the recommendation of ACMG/AMP guideline.